The following is an entry in ClinVar:

NM_145207.3(AFG2A):c.238A>G (p.Ile80Val)

Gene: AFG2A (AFG2 AAA ATPase homolog A; plus strand). Cytogenetic location: 4q28.1.
Variant type: single nucleotide variant.
Coding change: c.238A>G on transcript NM_145207.3 (MANE Select); coding-DNA position 238, A replaced by G.
Protein change: p.Ile80Val; replaces isoleucine 80 with valine.
Molecular consequence: missense variant.
Genome position (GRCh38, 1-based): chr4:122,927,708, A>G. VCF-style: chr4-122927708-A-G. GRCh37 (hg19) VCF-style: chr4-123848863-A-G.
Other names: c.235A>G, p.Ile79Val (NM_001317799.2, NM_001345856.2); short protein forms I79V, I80V.
Identifiers: ClinVar variation 861412 (VCV000861412.4), dbSNP rs1728495318, ClinGen allele CA358099335.

ClinVar aggregate classification (germline): Uncertain significance (1 of 4 stars; one submission).

Conditions:
Microcephaly-intellectual disability-sensorineural hearing loss-epilepsy-abnormal muscle tone syndrome (NEDHSB). Also called: NEURODEVELOPMENTAL DISORDER WITH HEARING LOSS, SEIZURES, AND BRAIN ABNORMALITIES. Identifiers: Orphanet 457351, MedGen C4225276, MONDO:0014698, OMIM 616577.

Allele frequency attached by ClinVar (database versions not stated): gnomAD exomes below 0.00001.
gnomAD v4.1: 1 of 1,613,398 alleles (0.000062%); highest among the groups gnomAD compares: Non-Finnish European, 0.000085%; no homozygotes.

Submission:

Labcorp Genetics (formerly Invitae), Labcorp
Classification: Uncertain significance for Microcephaly-intellectual disability-sensorineural hearing loss-epilepsy-abnormal muscle tone syndrome. Last evaluated: 2022-10-25. Review status: criteria provided, single submitter. Criteria: Invitae Variant Classification Sherloc (09022015). Collection method: clinical testing. Allele origin: germline.
Comment: This sequence change replaces isoleucine, which is neutral and non-polar, with valine, which is neutral and non-polar, at codon 80 of the SPATA5 protein (p.Ile80Val). This variant is not present in population databases (gnomAD no frequency). This variant has not been reported in the literature in individuals affected with SPATA5-related conditions. ClinVar contains an entry for this variant (Variation ID: 861412). Algorithms developed to predict the effect of missense changes on protein structure and function (SIFT, PolyPhen-2, Align-GVGD) all suggest that this variant is likely to be tolerated. In summary, the available evidence is currently insufficient to determine the role of this variant in disease. Therefore, it has been classified as a Variant of Uncertain Significance.